The following is an entry in ClinVar:

ClinVar aggregate classification (germline): Benign/Likely benign. Review status: criteria provided, multiple submitters, no conflicts (2 of 4 stars). 7 submissions from 7 submitters: Benign (1); Likely benign (6). Last evaluated 2026-05-15.

Conditions:
NF1-related disorder. Also called: NF1-related condition. Identifiers: MedGen CN379171.
Hereditary cancer-predisposing syndrome. Also called: Tumor predisposition; Neoplastic Syndromes, Hereditary; Hereditary Cancer Syndrome; Hereditary neoplastic syndrome. Identifiers: Orphanet 140162, MedGen C0027672, MeSH D009386, MONDO:0015356.
Neurofibromatosis, type 1 (NF1). Also called: Peripheral type neurofibromatosis; Neurofibromatosis, type I; NEUROFIBROMATOSIS, TYPE I, SOMATIC; VON RECKLINGHAUSEN DISEASE. Identifiers: Orphanet 636, MedGen C0027831, MONDO:0018975, OMIM 162200. Disease mechanism: loss of function.

Allele frequency attached by ClinVar (database versions not stated): ExAC 0.00001; gnomAD 0.00001; gnomAD exomes 0.00001 and 0.00002; TOPMed 0.00001; ESP Exome Variant Server 0.00008.
gnomAD v4.1: 13 of 1,613,452 alleles (0.00081%); highest among the groups gnomAD compares: Admixed American, 0.0017%; no homozygotes.

Submissions (7):

Myriad Genetics, Inc.
Classification: Benign for Neurofibromatosis, type 1. Last evaluated: 2026-05-15. Review status: criteria provided, single submitter. Criteria: Myriad Autosomal Dominant, Autosomal Recessive and X-Linked Classification Criteria (2023). Collection method: clinical testing. Allele origin: unknown.
Comment: This variant is considered benign. This variant is a silent/synonymous amino acid change and it is not expected to impact splicing.

Labcorp Genetics (formerly Invitae), Labcorp
Classification: Likely benign for Neurofibromatosis, type 1. Last evaluated: 2025-11-25. Review status: criteria provided, single submitter. Criteria: Invitae Variant Classification Sherloc (09022015). Collection method: clinical testing. Allele origin: germline.

PreventionGenetics, part of Exact Sciences
Classification: Likely benign for NF1-related condition. Last evaluated: 2025-11-05. Review status: criteria provided, single submitter. Criteria: ACMG Guidelines, 2015. Collection method: clinical testing. Allele origin: germline.
Comment: This variant is classified as likely benign based on ACMG/AMP sequence variant interpretation guidelines (Richards et al. 2015 PMID: 25741868, with internal and published modifications).

CeGaT Center for Human Genetics Tuebingen
Classification: Likely benign. Last evaluated: 2025-09-01. Review status: criteria provided, single submitter. Criteria: CeGaT Center For Human Genetics Tuebingen Variant Classification Criteria Version 2. Collection method: clinical testing. Allele origin: germline. Affected: yes. Observed: 2 variant alleles.
Comment: NF1: BP4

Blueprint Genetics
Classification: Likely benign. Last evaluated: 2023-03-17. Review status: criteria provided, single submitter. Criteria: ACMG Guidelines, 2015. Collection method: clinical testing. Allele origin: germline.

Genome-Nilou Lab
Classification: Likely benign for Neurofibromatosis, type 1. Last evaluated: 2022-03-15. Review status: criteria provided, single submitter. Criteria: ACMG Guidelines, 2015. Collection method: clinical testing. Allele origin: germline. Affected: no.

Ambry Genetics
Classification: Likely benign for Hereditary cancer-predisposing syndrome. Last evaluated: 2016-05-26. Review status: criteria provided, single submitter. Criteria: Ambry Autosomal Dominant and X-Linked criteria (10/2015). Collection method: clinical testing. Allele origin: germline. Observed: 1 variant allele.

NM_001042492.3(NF1):c.2019C>T (p.Cys673=)

Gene: NF1 (neurofibromin 1; plus strand). Cytogenetic location: 17q11.2.
Variant type: single nucleotide variant.
Coding change: c.2019C>T on transcript NM_001042492.3 (MANE Select); coding-DNA position 2019, C replaced by T.
Protein change: p.Cys673=; no amino-acid change (cysteine 673 retained).
Molecular consequence: synonymous variant.
Genome position (GRCh38, 1-based): chr17:31,226,452, C>T. VCF-style: chr17-31226452-C-T. GRCh37 (hg19) VCF-style: chr17-29553470-C-T.
Other names: c.2019C>T, p.Cys673= (NM_000267.4).
Identifiers: ClinVar variation 184886 (VCV000184886.35), dbSNP rs146624509, ClinGen allele CA190380.